The following is an entry in ClinVar:

NM_004260.4(RECQL4):c.2547G>A (p.Val849=)

Gene: RECQL4 (RecQ like helicase 4; minus strand). Cytogenetic location: 8q24.3.
Variant type: single nucleotide variant.
Coding change: c.2547G>A on transcript NM_004260.4 (MANE Select); coding-DNA position 2547, G replaced by A.
Protein change: p.Val849=; no amino-acid change (valine 849 retained).
Molecular consequence: synonymous variant. On other transcripts: non-coding transcript variant (3).
Genome position (GRCh38, 1-based): chr8:144,513,055, C>T on the plus strand (G>A on the coding strand, the complement: RECQL4 is on the minus strand). VCF-style: chr8-144513055-C-T. GRCh37 (hg19) VCF-style: chr8-145738438-C-T.
Other names: c.1278G>A, p.Val426= (NM_001413038.1, NM_001413031.1); c.2517G>A, p.Val839= (NM_001413039.1); c.1476G>A, p.Val492= (NM_001413040.1, NM_001413021.1, NM_001413022.1 and 5 more transcripts); c.1410G>A, p.Val470= (NM_001413041.1, NM_001413027.1, NM_001413030.1 and 1 more transcripts); c.1446G>A, p.Val482= (NM_001413042.1); c.1080G>A, p.Val360= (NM_001413043.1); c.2253G>A, p.Val751= (NM_001413017.1); c.2349G>A, p.Val783= (NM_001413018.1); and 6 more.
Identifiers: ClinVar variation 2658994 (VCV002658994.24), dbSNP rs1827554882, ClinGen allele CA463566547.

ClinVar aggregate classification (germline): Likely benign (1 of 4 stars; one submission).

Allele frequency attached by ClinVar (database versions not stated): gnomAD exomes below 0.00001.
gnomAD v4.1: 1 of 1,579,546 alleles (0.000063%); highest among the groups gnomAD compares: Non-Finnish European, 0.000086%; no homozygotes.

Submission:

CeGaT Center for Human Genetics Tuebingen
Classification: Likely benign. Last evaluated: 2023-03-01. Review status: criteria provided, single submitter. Criteria: CeGaT Center For Human Genetics Tuebingen Variant Classification Criteria Version 2. Collection method: clinical testing. Allele origin: germline. Affected: yes. Observed: 1 variant allele.
Comment: RECQL4: PM2:Supporting, BP4, BP7